The following is an entry in ClinVar:

NM_000179.3(MSH6):c.266A>G (p.Asp89Gly)

Gene: MSH6 (mutS homolog 6; plus strand). Cytogenetic location: 2p16.3.
Variant type: single nucleotide variant.
Coding change: c.266A>G on transcript NM_000179.3 (MANE Select); coding-DNA position 266, A replaced by G.
Protein change: p.Asp89Gly; replaces aspartic acid 89 with glycine.
Molecular consequence: missense variant. On other transcripts: 5 prime UTR variant (2), intron variant (1).
Genome position (GRCh38, 1-based): chr2:47,790,932, A>G. VCF-style: chr2-47790932-A-G. GRCh37 (hg19) VCF-style: chr2-48018071-A-G.
Other names: c.-471A>G (NM_001281493.2); c.-637A>G (NM_001281494.2); c.237+7462A>G (NM_001281492.2); short protein forms D89G.
Identifiers: ClinVar variation 489987 (VCV000489987.15), dbSNP rs1311655109, ClinGen allele CA346736465.

ClinVar aggregate classification (germline): Uncertain significance. Review status: criteria provided, multiple submitters, no conflicts (2 of 4 stars). 3 submissions from 3 submitters: Uncertain significance (3). Last evaluated 2026-01-21.

Conditions:
Hereditary cancer-predisposing syndrome. Also called: Hereditary Cancer Syndrome; Neoplastic Syndromes, Hereditary; Tumor predisposition; Hereditary neoplastic syndrome. Identifiers: Orphanet 140162, MedGen C0027672, MeSH D009386, MONDO:0015356.
Hereditary nonpolyposis colorectal neoplasms. Identifiers: MedGen C0009405, MeSH D003123.

gnomAD v4.1: 1 of 1,614,184 alleles (0.000062%); no homozygotes.

Submissions (3):

Labcorp Genetics (formerly Invitae), Labcorp
Classification: Uncertain significance for Hereditary nonpolyposis colorectal neoplasms. Last evaluated: 2026-01-21. Review status: criteria provided, single submitter. Criteria: Invitae Variant Classification Sherloc (09022015). Collection method: clinical testing. Allele origin: germline.
Comment: This sequence change replaces aspartic acid, which is acidic and polar, with glycine, which is neutral and non-polar, at codon 89 of the MSH6 protein (p.Asp89Gly). This variant is not present in population databases (gnomAD no frequency). This variant has not been reported in the literature in individuals affected with MSH6-related conditions. ClinVar contains an entry for this variant (Variation ID: 489987). Invitae Evidence Modeling of protein sequence and biophysical properties (such as structural, functional, and spatial information, amino acid conservation, physicochemical variation, residue mobility, and thermodynamic stability) indicates that this missense variant is not expected to disrupt MSH6 protein function with a negative predictive value of 95%. In summary, the available evidence is currently insufficient to determine the role of this variant in disease. Therefore, it has been classified as a Variant of Uncertain Significance.

Color Diagnostics, LLC DBA Color Health
Classification: Uncertain significance for Hereditary cancer-predisposing syndrome. Last evaluated: 2023-12-05. Review status: criteria provided, single submitter. Criteria: ACMG Guidelines, 2015. Collection method: clinical testing. Allele origin: germline.
Comment: This missense variant replaces aspartic acid with glycine at codon 89 of the MSH6 protein. Computational prediction suggests that this variant may not impact protein structure and function (internally defined REVEL score threshold <= 0.5, PMID: 27666373). To our knowledge, functional studies have not been reported for this variant. This variant has not been reported in individuals affected with MSH6-related disorders in the literature. This variant has not been identified in the general population by the Genome Aggregation Database (gnomAD). The available evidence is insufficient to determine the role of this variant in disease conclusively. Therefore, this variant is classified as a Variant of Uncertain Significance.

Ambry Genetics
Classification: Uncertain significance for Hereditary cancer-predisposing syndrome. Last evaluated: 2021-09-24. Review status: criteria provided, single submitter. Criteria: Ambry Variant Classification Scheme 2023. Collection method: clinical testing. Allele origin: germline.
Comment: The p.D89G variant (also known as c.266A>G), located in coding exon 2 of the MSH6 gene, results from an A to G substitution at nucleotide position 266. The aspartic acid at codon 89 is replaced by glycine, an amino acid with similar properties. This amino acid position is well conserved in available vertebrate species. In addition, this alteration is predicted to be tolerated by in silico analysis. Since supporting evidence is limited at this time, the clinical significance of this alteration remains unclear.